The following is an entry in ClinVar:

ClinVar aggregate classification (germline): not provided (0 of 4 stars; one submission).

Allele frequency attached by ClinVar (database versions not stated): TOPMed 0.00045; gnomAD 0.00078.

Submission:

Human Evolutionary Genetics, Institut Pasteur
No classification provided. Review status: no classification provided. Collection method: not provided. Allele origin: germline.
ClinVar note: Converted during submission from untested to not provided.

NC_000016.10:g.3577780G>A

Gene: NLRC3 (NLR family CARD domain containing 3; minus strand). Cytogenetic location: 16p13.3.
Variant type: single nucleotide variant.
Genome position: GRCh38 VCF-style: chr16-3577780-G-A. GRCh37 (hg19) VCF-style: chr16-3627781-G-A.
Identifiers: ClinVar variation 102967 (VCV000102967.2), dbSNP rs199475928, ClinGen allele CA229933.
Genomic context (GRCh38, chr16:3,577,780, plus strand): 5'-CTGAGGTCACGCAACTAGAGGGTGACCCCAGCAGGACTGGACTGTGCCCTGCCACCTCCA[G>A]GCCACCCCTGTGGCTCTCCTTATTTATTTATTTAATTTATTTATTTGAGACAGAGTCTCG-3'